The following is an entry in ClinVar:

NM_031935.3(HMCN1):c.15566G>A (p.Ser5189Asn)

Gene: HMCN1 (hemicentin 1; plus strand). Cytogenetic location: 1q31.1.
Variant type: single nucleotide variant.
Coding change: c.15566G>A on transcript NM_031935.3 (MANE Select); coding-DNA position 15566, G replaced by A.
Protein change: p.Ser5189Asn; replaces serine 5189 with asparagine.
Molecular consequence: missense variant.
Genome position (GRCh38, 1-based): chr1:186,166,934, G>A. VCF-style: chr1-186166934-G-A. GRCh37 (hg19) VCF-style: chr1-186136066-G-A.
Other names: short protein forms S5189N.
Identifiers: ClinVar variation 2825099 (VCV002825099.3), dbSNP rs2528215683, ClinGen allele CA343930733.
Genomic context (GRCh38, chr1:186,166,934, plus strand): 5'-GATCTTATCGCTGTGTGGTCCGTTGTGGAAGTGGCTTTCGAAGAACCTCTGATGGGCTGA[G>A]TTGTCAAGGTATAAAAATGGAGGCCTTTTCTTTATGTTCATGACAGTAAGAATTAGACCC-3'
Protein context (NP_114141.2, residues 5179-5199): SGFRRTSDGL[Ser5189Asn]CQDINECQES

ClinVar aggregate classification (germline): Uncertain significance (1 of 4 stars; one submission).

Submission:

Labcorp Genetics (formerly Invitae), Labcorp
Classification: Uncertain significance. Last evaluated: 2022-12-30. Review status: criteria provided, single submitter. Criteria: Invitae Variant Classification Sherloc (09022015). Collection method: clinical testing. Allele origin: germline.
Comment: This variant has not been reported in the literature in individuals affected with HMCN1-related conditions. In summary, the available evidence is currently insufficient to determine the role of this variant in disease. Therefore, it has been classified as a Variant of Uncertain Significance. Algorithms developed to predict the effect of missense changes on protein structure and function output the following: SIFT: "Tolerated"; PolyPhen-2: "Benign"; Align-GVGD: "Class C0". The asparagine amino acid residue is found in multiple mammalian species, which suggests that this missense change does not adversely affect protein function. This variant is not present in population databases (gnomAD no frequency). This sequence change replaces serine, which is neutral and polar, with asparagine, which is neutral and polar, at codon 5189 of the HMCN1 protein (p.Ser5189Asn).